The following is an entry in ClinVar:

ClinVar aggregate classification (germline): Uncertain significance (1 of 4 stars; one submission).

Submission:

GeneDx
Classification: Uncertain significance. Last evaluated: 2026-04-28. Review status: criteria provided, single submitter. Criteria: GeneDx Variant Classification Process June 2021. Collection method: clinical testing. Allele origin: germline.
Comment: Not observed at significant frequency in large population cohorts (gnomAD); In silico analysis supports that this missense variant has a deleterious effect on protein structure/function; Has not been previously published as pathogenic or benign to our knowledge

NM_173596.3(SLC39A5):c.782C>T (p.Ala261Val)

Gene: SLC39A5 (solute carrier family 39 member 5; plus strand). Cytogenetic location: 12q13.3.
Variant type: single nucleotide variant.
Coding change: c.782C>T on transcript NM_173596.3 (MANE Select); coding-DNA position 782, C replaced by T.
Protein change: p.Ala261Val; replaces alanine 261 with valine.
Molecular consequence: missense variant.
Genome position (GRCh38, 1-based): chr12:56,235,304, C>T. VCF-style: chr12-56235304-C-T. GRCh37 (hg19) VCF-style: chr12-56629088-C-T.
Other names: c.782C>T, p.Ala261Val (NM_001135195.2); short protein forms A261V.
Identifiers: ClinVar variation 4532468 (VCV004532468.2).